The following is an entry in ClinVar:

NM_001199138.2(NLRC4):c.327_329del (p.His110del)

Gene: NLRC4 (NLR family CARD domain containing 4; minus strand). Cytogenetic location: 2p22.3.
Variant type: Deletion.
Coding change: c.327_329del on transcript NM_001199138.2 (MANE Select); coding-DNA positions 327 to 329, 3 bases deleted (CCA; older notation c.327_329delCCA).
Protein change: p.His110del; deletes histidine 110.
Molecular consequence: inframe deletion. On other transcripts: inframe indel (2), intron variant (1).
Genome position (GRCh38, 1-based): chr2:32,251,535-32,251,537, TGG deleted on the plus strand (CCA on the coding strand, the reverse complement: NLRC4 is on the minus strand); deleting any 3 consecutive bases within chr2:32,251,535-32,251,538 gives the same sequence; the c. name uses the placement nearest the transcript's 3' end. VCF-style (leftmost placement, unchanged base first): chr2-32251534-ATGG-A. GRCh37 (hg19) VCF-style: chr2-32476603-ATGG-A.
Other names: c.326_328delACC, p.His110del (NM_001199139.2, NM_021209.5); c.262+882_262+884del (NM_001302504.1); short protein forms H110del.
Identifiers: ClinVar variation 1023873 (VCV001023873.8), dbSNP rs1687078144, ClinGen allele CA1242559303.

ClinVar aggregate classification (germline): Uncertain significance (1 of 4 stars; one submission).

Conditions:
Familial cold autoinflammatory syndrome 4 (FCAS4). Identifiers: Orphanet 47045, Orphanet 576349, MedGen C4015276, MONDO:0014498, OMIM 616115.
Periodic fever-infantile enterocolitis-autoinflammatory syndrome. Also called: Autoinflammation with infantile enterocolitis. Identifiers: Orphanet 436166, MedGen C4015067, MONDO:0014472, OMIM 616050.

Submission:

Labcorp Genetics (formerly Invitae), Labcorp
Classification: Uncertain significance for Periodic fever-infantile enterocolitis-autoinflammatory syndrome; Familial cold autoinflammatory syndrome 4. Last evaluated: 2025-11-25. Review status: criteria provided, single submitter. Criteria: Invitae Variant Classification Sherloc (09022015). Collection method: clinical testing. Allele origin: germline.
Comment: This variant, c.327_329del, results in the deletion of 1 amino acid(s) of the NLRC4 protein (p.His110del), but otherwise preserves the integrity of the reading frame. This variant is not present in population databases (gnomAD no frequency). This variant has not been reported in the literature in individuals affected with NLRC4-related conditions. ClinVar contains an entry for this variant (Variation ID: 1023873). Experimental studies and prediction algorithms are not available or were not evaluated, and the functional significance of this variant is currently unknown. In summary, the available evidence is currently insufficient to determine the role of this variant in disease. Therefore, it has been classified as a Variant of Uncertain Significance.